The following is an entry in ClinVar:

ClinVar aggregate classification (germline): Uncertain significance (1 of 4 stars; one submission).

Conditions:
Hereditary cancer-predisposing syndrome. Also called: Neoplastic Syndromes, Hereditary; Tumor predisposition; Hereditary Cancer Syndrome; Hereditary neoplastic syndrome. Identifiers: Orphanet 140162, MedGen C0027672, MeSH D009386, MONDO:0015356.

Submission:

Ambry Genetics
Classification: Uncertain significance for Hereditary cancer-predisposing syndrome. Last evaluated: 2020-04-13. Review status: criteria provided, single submitter. Criteria: Ambry Variant Classification Scheme 2023. Collection method: clinical testing. Allele origin: germline.
Comment: The p.G2141V variant (also known as c.6422G>T), located in coding exon 15 of the APC gene, results from a G to T substitution at nucleotide position 6422. The glycine at codon 2141 is replaced by valine, an amino acid with dissimilar properties. This amino acid position is highly conserved in available vertebrate species. In addition, in silico predictors for this gene do not accurately predict pathogenicity. Since supporting evidence is limited at this time, the clinical significance of this alteration remains unclear.

NM_000038.6(APC):c.6422G>T (p.Gly2141Val)

Gene: APC (APC regulator of Wnt signaling pathway; plus strand). Cytogenetic location: 5q22.2.
Variant type: single nucleotide variant.
Coding change: c.6422G>T on transcript NM_000038.6 (MANE Select); coding-DNA position 6422, G replaced by T.
Protein change: p.Gly2141Val; replaces glycine 2141 with valine.
Molecular consequence: missense variant.
Genome position (GRCh38, 1-based): chr5:112,842,016, G>T. VCF-style: chr5-112842016-G-T. GRCh37 (hg19) VCF-style: chr5-112177713-G-T.
Other names: c.6422G>T, p.Gly2141Val (NM_001127510.3, NM_001354895.2, NM_001407450.1); c.6368G>T, p.Gly2123Val (NM_001127511.3); c.6476G>T, p.Gly2159Val (NM_001354896.2, NM_001407447.1, NM_001407448.1 and 1 more transcripts); c.6452G>T, p.Gly2151Val (NM_001354897.2); c.6347G>T, p.Gly2116Val (NM_001354898.2); c.6338G>T, p.Gly2113Val (NM_001354899.2); c.6299G>T, p.Gly2100Val (NM_001354900.2); c.6245G>T, p.Gly2082Val (NM_001354901.2, NM_001407453.1); and 11 more; short protein forms G2082V, G2100V, G2134V, G2141V, G2159V, G1757V, G1858V, G2050V.
Identifiers: ClinVar variation 1753442 (VCV001753442.2), dbSNP rs755626455, ClinGen allele CA16035389.